The following is an entry in ClinVar:

ClinVar aggregate classification (germline): Likely benign. Review status: criteria provided, multiple submitters, no conflicts (2 of 4 stars). 3 submissions from 3 submitters: Likely benign (2). 1 of the submissions does not count toward it. Last evaluated 2026-07-01.

Conditions:
PAK1-related disorder. Also called: PAK1-related condition.

Allele frequency attached by ClinVar (database versions not stated): ExAC 0.00021; TOPMed 0.00025; gnomAD 0.00031; ESP Exome Variant Server 0.00054; gnomAD exomes 0.00064.
gnomAD v4.1: 951 of 1,614,122 alleles (0.059%); highest among the groups gnomAD compares: Non-Finnish European, 0.078%; no homozygotes.

Submissions (3):

CeGaT Center for Human Genetics Tuebingen
Classification: Likely benign. Last evaluated: 2026-07-01. Review status: criteria provided, single submitter. Criteria: CeGaT Center For Human Genetics Tuebingen Variant Classification Criteria Version 2. Collection method: clinical testing. Allele origin: germline. Affected: yes. Observed: 3 variant alleles.
Comment: PAK1: BP4, BP7

Laboratory of Genetics, Children's Clinical University Hospital Latvia
Classification: Likely benign. Last evaluated: 2025-02-16. Review status: criteria provided, single submitter. Criteria: ACMG Guidelines, 2015. Collection method: clinical testing. Allele origin: germline. Affected: yes.

PreventionGenetics, part of Exact Sciences
Classification: Likely benign for PAK1-related condition. Last evaluated: 2020-01-24. Review status: no assertion criteria provided. Collection method: clinical testing. Allele origin: germline. Not counted in ClinVar's aggregate classification.
Comment: This variant is classified as likely benign based on ACMG/AMP sequence variant interpretation guidelines (Richards et al. 2015 PMID: 25741868, with internal and published modifications).

NM_002576.5(PAK1):c.1284A>T (p.Pro428=)

Gene: PAK1 (p21 (RAC1) activated kinase 1; minus strand). Cytogenetic location: 11q13.5.
Variant type: single nucleotide variant.
Coding change: c.1284A>T on transcript NM_002576.5 (MANE Select); coding-DNA position 1284, A replaced by T.
Protein change: p.Pro428=; no amino-acid change (proline 428 retained).
Molecular consequence: synonymous variant. On other transcripts: non-coding transcript variant (2).
Genome position (GRCh38, 1-based): chr11:77,336,215, T>A on the plus strand (A>T on the coding strand, the complement: PAK1 is on the minus strand). VCF-style: chr11-77336215-T-A. GRCh37 (hg19) VCF-style: chr11-77047260-T-A.
Other names: c.1284A>T, p.Pro428= (NM_001128620.2, NM_001376268.1, NM_001376269.1 and 21 more transcripts); c.1305A>T, p.Pro435= (NM_001376272.1); c.1161A>T, p.Pro387= (NM_001376290.1, NM_001376291.1); c.1275A>T, p.Pro425= (NM_001376294.1); c.1107A>T, p.Pro369= (NM_001376295.1); c.1035A>T, p.Pro345= (NM_001376301.1); c.990A>T, p.Pro330= (NM_001376302.1, NM_001376304.1, NM_001376305.1); c.996A>T, p.Pro332= (NM_001376303.1); and 1 more.
Identifiers: ClinVar variation 2642184 (VCV002642184.26), dbSNP rs142211771, ClinGen allele CA6199902.